The following is an entry in ClinVar:

NM_020877.5(DNAH2):c.8035C>A (p.Leu2679Ile)

Gene: DNAH2 (dynein axonemal heavy chain 2; plus strand). Cytogenetic location: 17p13.1.
Variant type: single nucleotide variant.
Coding change: c.8035C>A on transcript NM_020877.5 (MANE Select); coding-DNA position 8035, C replaced by A.
Protein change: p.Leu2679Ile; replaces leucine 2679 with isoleucine.
Molecular consequence: missense variant.
Genome position (GRCh38, 1-based): chr17:7,797,485, C>A. VCF-style: chr17-7797485-C-A. GRCh37 (hg19) VCF-style: chr17-7700803-C-A.
Other names: c.8035C>A (NM_020877.3); short protein forms L2679I.
Identifiers: ClinVar variation 2384971 (VCV002384971.5), dbSNP rs145214760, ClinGen allele CA8358270.
Genomic context (GRCh38, chr17:7,797,485, plus strand): 5'-GCGGCAGACACAGAAGCCTTCATGGGCATCATAAGCGACAAGCTCGGCTCCTTCTTTGAC[C>A]TCACATTTCATCATCTCTGTCCCAGCAAGCGTCCTCCTATCTTTGGTGAGCCAGGAGCTG-3'
Protein context (NP_065928.2, residues 2669-2689): ISDKLGSFFD[Leu2679Ile]TFHHLCPSKR

ClinVar aggregate classification (germline): Uncertain significance. Review status: criteria provided, single submitter (1 of 4 stars). 2 submissions from 2 submitters: Uncertain significance (1). 1 of the submissions does not count toward it. Last evaluated 2025-08-21.

Conditions:
DNAH2-related disorder. Also called: DNAH2-related condition.
Inborn genetic diseases. Identifiers: MedGen C0950123, MeSH D030342.

Allele frequency attached by ClinVar (database versions not stated): ESP Exome Variant Server 0.00015; ExAC 0.00027; gnomAD 0.00036; 1000 Genomes Project 0.00040; 1000 Genomes Project 30x 0.00047; TOPMed 0.00050.
gnomAD v4.1: 511 of 1,614,192 alleles (0.032%); highest among the groups gnomAD compares: Middle Eastern, 0.87%; 3 homozygotes.

Submissions (2):

Ambry Genetics
Classification: Uncertain significance for Inborn genetic diseases. Last evaluated: 2025-08-21. Review status: criteria provided, single submitter. Criteria: Ambry Variant Classification Scheme 2023. Collection method: clinical testing. Allele origin: germline.

PreventionGenetics, part of Exact Sciences
Classification: Likely benign for DNAH2-related condition. Last evaluated: 2022-10-08. Review status: no assertion criteria provided. Collection method: clinical testing. Allele origin: germline. Not counted in ClinVar's aggregate classification.
Comment: This variant is classified as likely benign based on ACMG/AMP sequence variant interpretation guidelines (Richards et al. 2015 PMID: 25741868, with internal and published modifications).